The following is an entry in ClinVar:

NM_006904.7(PRKDC):c.3261G>C (p.Arg1087Ser)

Gene: PRKDC (protein kinase, DNA-activated, catalytic subunit; minus strand). Cytogenetic location: 8q11.21.
Variant type: single nucleotide variant.
Coding change: c.3261G>C on transcript NM_006904.7 (MANE Select); coding-DNA position 3261, G replaced by C.
Protein change: p.Arg1087Ser; replaces arginine 1087 with serine.
Molecular consequence: missense variant.
Genome position (GRCh38, 1-based): chr8:47,902,577, C>G on the plus strand (G>C on the coding strand, the complement: PRKDC is on the minus strand). VCF-style: chr8-47902577-C-G. GRCh37 (hg19) VCF-style: chr8-48815137-C-G.
Other names: c.3261G>C, p.Arg1087Ser (NM_001081640.2); short protein forms R1087S.
Identifiers: ClinVar variation 1729537 (VCV001729537.2), dbSNP rs2551875530, ClinGen allele CA371156478.

ClinVar aggregate classification (germline): Uncertain significance (1 of 4 stars; one submission).

Submission:

Ambry Genetics
Classification: Uncertain significance. Last evaluated: 2022-01-16. Review status: criteria provided, single submitter. Criteria: Ambry Variant Classification Scheme 2023. Collection method: clinical testing. Allele origin: germline.
Comment: The p.R1087S variant (also known as c.3261G>C), located in coding exon 27 of the PRKDC gene, results from a G to C substitution at nucleotide position 3261. The arginine at codon 1087 is replaced by serine, an amino acid with dissimilar properties. This amino acid position is conserved. In addition, the in silico prediction for this alteration is inconclusive. Since supporting evidence is limited at this time, the clinical significance of this alteration remains unclear.